The following is an entry in ClinVar:

NM_001110556.2(FLNA):c.1807G>T (p.Gly603Trp)

Gene: FLNA (filamin A; minus strand). Cytogenetic location: Xq28.
Variant type: single nucleotide variant.
Coding change: c.1807G>T on transcript NM_001110556.2 (MANE Select); coding-DNA position 1807, G replaced by T.
Protein change: p.Gly603Trp; replaces glycine 603 with tryptophan.
Molecular consequence: missense variant.
Genome position (GRCh38, 1-based): chrX:154,364,842, C>A on the plus strand (G>T on the coding strand, the complement: FLNA is on the minus strand). VCF-style: chrX-154364842-C-A. GRCh37 (hg19) VCF-style: chrX-153593210-C-A.
Other names: c.1807G>T, p.Gly603Trp (NM_001456.4); short protein forms G603W.
Identifiers: ClinVar variation 519869 (VCV000519869.16), dbSNP rs200116438, ClinGen allele CA415242304.
Genomic context (GRCh38, chrX:154,364,842, plus strand): 5'-GTCTGTCCCCAGGTGCCCATGCTGCAGCCTCCAACTTACCCAGCGTGCCCACGTCGTCCC[C>A]GATAGCCTCCACCACAAAGTCTGCTGACTTGCCAACGACGCCGCCCTCCAGCCCAGGGCC-3'
Protein context (NP_001104026.1, residues 593-613): KSADFVVEAI[Gly603Trp]DDVGTLGFSV

ClinVar aggregate classification (germline): Conflicting classifications of pathogenicity. Review status: criteria provided, conflicting classifications (1 of 4 stars). 2 submissions from 2 submitters: Uncertain significance (1); Likely benign (1). Last evaluated 2024-03-24.

Conditions:
Melnick-Needles syndrome (MNS). Also called: MELNICK-NEEDLES OSTEODYSPLASTY; Melnick-Needles Syndrome (FLNA-MNS); OSTEODYSPLASTY OF MELNICK AND NEEDLES. Identifiers: Orphanet 2484, MedGen C0025237, MONDO:0010650, OMIM 309350.
Frontometaphyseal dysplasia (FMD1). Identifiers: Orphanet 1826, MedGen C0265293, MONDO:0015942.
Heterotopia, periventricular, X-linked dominant (PVNH1). Also called: PERIVENTRICULAR NODULAR HETEROTOPIA 4; HETEROTOPIA, PERIVENTRICULAR, 1; PERIVENTRICULAR NODULAR HETEROTOPIA 1; X-linked periventricular heterotopia. Identifiers: Orphanet 2149, Orphanet 82004, MedGen C1848213, MONDO:0010233, OMIM 300049.
Oto-palato-digital syndrome, type II (OPD2). Also called: Otopalatodigital Syndrome Type 2 (FLNA-OPD2); FACIOPALATOOSSEOUS SYNDROME; OPD II SYNDROME; Otopalatodigital Syndrome, Type II. Identifiers: Orphanet 669, Orphanet 90652, MedGen C1844696, MONDO:0010571, OMIM 304120.
Familial thoracic aortic aneurysm and aortic dissection (TAAD). Also called: Thoracic aortic aneurysms and dissections. Identifiers: Orphanet 91387, MedGen C4707243, MONDO:0019625.

Allele frequency attached by ClinVar (database versions not stated): TOPMed 0.00001.

Submissions (2):

Labcorp Genetics (formerly Invitae), Labcorp
Classification: Likely benign for Oto-palato-digital syndrome, type II; Heterotopia, periventricular, X-linked dominant; Frontometaphyseal dysplasia; Melnick-Needles syndrome. Last evaluated: 2024-03-24. Review status: criteria provided, single submitter. Criteria: Invitae Variant Classification Sherloc (09022015). Collection method: clinical testing. Allele origin: germline.

Ambry Genetics
Classification: Uncertain significance for Familial thoracic aortic aneurysm and aortic dissection. Last evaluated: 2017-11-27. Review status: criteria provided, single submitter. Criteria: Ambry Variant Classification Scheme 2023. Collection method: clinical testing. Allele origin: germline.
Comment: The p.G603W variant (also known as c.1807G>T), located in coding exon 11 of the FLNA gene, results from a G to T substitution at nucleotide position 1807. The glycine at codon 603 is replaced by tryptophan, an amino acid with highly dissimilar properties. This amino acid position is highly conserved in available vertebrate species. In addition, this alteration is predicted to be deleterious by in silico analysis. Since supporting evidence is limited at this time, the clinical significance of this alteration remains unclear.